The following is an entry in ClinVar:

NM_152564.5(VPS13B):c.8396G>A (p.Trp2799Ter)

Gene: VPS13B (vacuolar protein sorting 13 homolog B; plus strand). Cytogenetic location: 8q22.2.
Variant type: single nucleotide variant.
Coding change: c.8396G>A on transcript NM_152564.5 (MANE Select); coding-DNA position 8396, G replaced by A.
Protein change: p.Trp2799Ter; replaces tryptophan 2799 with a stop codon.
Molecular consequence: nonsense.
Genome position (GRCh38, 1-based): chr8:99,818,485, G>A. VCF-style: chr8-99818485-G-A. GRCh37 (hg19) VCF-style: chr8-100830713-G-A.
Other names: c.8471G>A, p.Trp2824Ter (NM_017890.5); short protein forms W2799*, W2824*.
Identifiers: ClinVar variation 370433 (VCV000370433.7), dbSNP rs1057516484, ClinGen allele CA16041253.
Genomic context (GRCh38, chr8:99,818,485, plus strand): 5'-AGGACCCTTTGCTATTTCATGTGCAGGTGCCATCTTCAAACAGTTCCATTATTTATGTCT[G>A]GTGCACAGTTTTGACTTTAGAACCCAACTCTCAAGTGCAACAACGAATGGTGAGTGCTTT-3'

ClinVar aggregate classification (germline): Pathogenic/Likely pathogenic. Review status: criteria provided, multiple submitters, no conflicts (2 of 4 stars). 3 submissions from 3 submitters: Pathogenic (1); Likely pathogenic (1). 1 of the submissions does not count toward it. Last evaluated 2024-08-27.

Conditions:
VPS13B-related disorder. Also called: VPS13B-related condition.
Cohen syndrome (COH1). Also called: Cutis verticis gyrata, retinitis pigmentosa, and sensorineural deafness; PEPPER SYNDROME. Identifiers: Orphanet 193, MedGen C0265223, MONDO:0008999, OMIM 216550.

Submissions (3):

Labcorp Genetics (formerly Invitae), Labcorp
Classification: Pathogenic for Cohen syndrome. Last evaluated: 2024-08-27. Review status: criteria provided, single submitter. Criteria: Invitae Variant Classification Sherloc (09022015). Collection method: clinical testing. Allele origin: germline.
Comment: This sequence change creates a premature translational stop signal (p.Trp2824*) in the VPS13B gene. It is expected to result in an absent or disrupted protein product. Loss-of-function variants in VPS13B are known to be pathogenic (PMID: 15141358, 16648375, 20461111). This variant is not present in population databases (gnomAD no frequency). This premature translational stop signal has been observed in individual(s) with Cohen syndrome (PMID: 12730828). ClinVar contains an entry for this variant (Variation ID: 370433). Algorithms developed to predict the effect of sequence changes on RNA splicing suggest that this variant may disrupt the consensus splice site. For these reasons, this variant has been classified as Pathogenic.

Blueprint Genetics
Classification: Likely pathogenic for VPS13B-related disorders. Last evaluated: 2022-04-19. Review status: criteria provided, single submitter. Criteria: ACMG Guidelines, 2015. Collection method: clinical testing. Allele origin: germline. Affected: yes. Observed: 1 variant allele.

Counsyl
Classification: Likely pathogenic for Cohen syndrome. Last evaluated: 2016-02-09. Review status: no assertion criteria provided. Collection method: clinical testing. Allele origin: unknown. Not counted in ClinVar's aggregate classification.

Literature cited by the submitters: PubMed 15141358 (cited by Labcorp Genetics (formerly Invitae), Labcorp); PubMed 16648375 (cited by Labcorp Genetics (formerly Invitae), Labcorp); PubMed 20461111 (cited by Labcorp Genetics (formerly Invitae), Labcorp); PubMed 12730828 (cited by Labcorp Genetics (formerly Invitae), Labcorp).